The following is an entry in ClinVar:

NM_014141.6(CNTNAP2):c.1499-86C>T

Gene: CNTNAP2 (contactin associated protein 2; plus strand). Cytogenetic location: 7q35.
Variant type: single nucleotide variant.
Coding change: c.1499-86C>T on transcript NM_014141.6 (MANE Select); 86 bases into the intron before coding-DNA position 1499, C replaced by T.
Molecular consequence: intron variant.
Genome position (GRCh38, 1-based): chr7:147,395,523, C>T. VCF-style: chr7-147395523-C-T. GRCh37 (hg19) VCF-style: chr7-147092615-C-T.
Identifiers: ClinVar variation 670795 (VCV000670795.2), dbSNP rs700308, ClinGen allele CA15516980.

ClinVar aggregate classification (germline): Benign. Review status: criteria provided, multiple submitters, no conflicts (2 of 4 stars). 2 submissions from 2 submitters: Benign (2). Last evaluated 2018-06-14.

Allele frequency attached by ClinVar (database versions not stated): gnomAD 0.12365 and 0.12897; TOPMed 0.12893; gnomAD exomes 0.13925; 1000 Genomes Project 30x 0.16943; 1000 Genomes Project 0.17432.
gnomAD v4.1: 179,406 of 1,298,102 alleles (14%); highest among the groups gnomAD compares: East Asian, 35%; 14,415 homozygotes.

Submissions (2):

GeneDx
Classification: Benign. Last evaluated: 2018-06-14. Review status: criteria provided, single submitter. Criteria: GeneDx Variant Classification (06012015). Collection method: clinical testing. Allele origin: germline. Affected: yes.
Comment: This variant is considered likely benign or benign based on one or more of the following criteria: it is a conservative change, it occurs at a poorly conserved position in the protein, it is predicted to be benign by multiple in silico algorithms, and/or has population frequency not consistent with disease.

Breakthrough Genomics
Classification: Benign. Review status: criteria provided, single submitter. Criteria: ACMG Guidelines, 2015. Collection method: not provided. Allele origin: germline. Inheritance: Autosomal recessive inheritance. Affected: yes.